The following is an entry in ClinVar:

NM_172364.5(CACNA2D4):c.2434A>G (p.Ser812Gly)

Gene: CACNA2D4 (calcium voltage-gated channel auxiliary subunit alpha2delta 4; minus strand). Cytogenetic location: 12p13.33.
Variant type: single nucleotide variant.
Coding change: c.2434A>G on transcript NM_172364.5 (MANE Select); coding-DNA position 2434, A replaced by G.
Protein change: p.Ser812Gly; replaces serine 812 with glycine.
Molecular consequence: missense variant.
Genome position (GRCh38, 1-based): chr12:1,844,438, T>C on the plus strand (A>G on the coding strand, the complement: CACNA2D4 is on the minus strand). VCF-style: chr12-1844438-T-C. GRCh37 (hg19) VCF-style: chr12-1953604-T-C.
Other names: short protein forms S812G.
Identifiers: ClinVar variation 1009662 (VCV001009662.8), dbSNP rs1179769270, ClinGen allele CA383357949.

ClinVar aggregate classification (germline): Uncertain significance (1 of 4 stars; one submission).

Allele frequency attached by ClinVar (database versions not stated): gnomAD exomes below 0.00001 and 0.00001; gnomAD 0.00001; TOPMed 0.00001.
gnomAD v4.1: 22 of 1,613,572 alleles (0.0014%); highest among the groups gnomAD compares: Non-Finnish European, 0.0019%; no homozygotes.

Submission:

Labcorp Genetics (formerly Invitae), Labcorp
Classification: Uncertain significance. Last evaluated: 2020-09-24. Review status: criteria provided, single submitter. Criteria: Invitae Variant Classification Sherloc (09022015). Collection method: clinical testing. Allele origin: germline.
Comment: In summary, the available evidence is currently insufficient to determine the role of this variant in disease. Therefore, it has been classified as a Variant of Uncertain Significance. Algorithms developed to predict the effect of missense changes on protein structure and function are either unavailable or do not agree on the potential impact of this missense change (SIFT: "Deleterious"; PolyPhen-2: "Possibly Damaging"; Align-GVGD: "Class C0"). This variant has not been reported in the literature in individuals with CACNA2D4-related conditions. This variant is not present in population databases (ExAC no frequency). This sequence change replaces serine with glycine at codon 812 of the CACNA2D4 protein (p.Ser812Gly). The serine residue is moderately conserved and there is a small physicochemical difference between serine and glycine.